The following is an entry in ClinVar:

ClinVar aggregate classification (germline): Uncertain significance (1 of 4 stars; one submission).

Allele frequency attached by ClinVar (database versions not stated): gnomAD exomes 0.00002.
gnomAD v4.1: 3 of 1,576,744 alleles (0.00019%); highest among the groups gnomAD compares: Admixed American, 0.0054%; no homozygotes.

Submission:

Labcorp Genetics (formerly Invitae), Labcorp
Classification: Uncertain significance. Last evaluated: 2021-10-24. Review status: criteria provided, single submitter. Criteria: Invitae Variant Classification Sherloc (09022015). Collection method: clinical testing. Allele origin: germline.
Comment: This sequence change replaces proline with leucine at codon 3 of the ERCC6L2 protein (p.Pro3Leu). The proline residue is weakly conserved and there is a moderate physicochemical difference between proline and leucine. This variant is not present in population databases (ExAC no frequency). This variant has not been reported in the literature in individuals affected with ERCC6L2-related conditions. Algorithms developed to predict the effect of missense changes on protein structure and function are either unavailable or do not agree on the potential impact of this missense change (SIFT: "Tolerated"; PolyPhen-2: "Not Available"; Align-GVGD: "Class C0"). In summary, the available evidence is currently insufficient to determine the role of this variant in disease. Therefore, it has been classified as a Variant of Uncertain Significance.

NM_020207.7(ERCC6L2):c.-26C>T

Gene: ERCC6L2 (ERCC excision repair 6 like 2; plus strand). Cytogenetic location: 9q22.32.
Variant type: single nucleotide variant.
Coding change: c.-26C>T on transcript NM_020207.7 (MANE Select); 26 bases upstream of the start codon, C replaced by T.
Molecular consequence: 5 prime UTR variant. On other transcripts: non-coding transcript variant (1).
Genome position (GRCh38, 1-based): chr9:95,876,013, C>T. VCF-style: chr9-95876013-C-T. GRCh37 (hg19) VCF-style: chr9-98638295-C-T.
Other names: c.-26C>T (NM_001010895.4, NM_001375291.1, NM_001375292.1 and 2 more transcripts).
Identifiers: ClinVar variation 1397656 (VCV001397656.3), dbSNP rs1482248980, ClinGen allele CA374115265.